The following is an entry in ClinVar:

NM_002202.3(ISL1):c.984A>G (p.Val328=)

Gene: ISL1 (ISL LIM homeobox 1; plus strand). Cytogenetic location: 5q11.1.
Variant type: single nucleotide variant.
Coding change: c.984A>G on transcript NM_002202.3 (MANE Select); coding-DNA position 984, A replaced by G.
Protein change: p.Val328=; no amino-acid change (valine 328 retained).
Molecular consequence: synonymous variant.
Genome position (GRCh38, 1-based): chr5:51,393,544, A>G. VCF-style: chr5-51393544-A-G. GRCh37 (hg19) VCF-style: chr5-50689378-A-G.
Identifiers: ClinVar variation 3354472 (VCV003354472.1).

ClinVar aggregate classification (germline): Likely benign (0 of 4 stars; one submission).

Conditions:
ISL1-related disorder. Also called: ISL1-related condition.

Submission:

PreventionGenetics, part of Exact Sciences
Classification: Likely benign for ISL1-related condition. Last evaluated: 2022-05-26. Review status: no assertion criteria provided. Collection method: clinical testing. Allele origin: germline.
Comment: This variant is classified as likely benign based on ACMG/AMP sequence variant interpretation guidelines (Richards et al. 2015 PMID: 25741868, with internal and published modifications).